The following is an entry in ClinVar:

NM_138694.4(PKHD1):c.9571A>C (p.Asn3191His)

Gene: PKHD1 (PKHD1 ciliary IPT domain containing fibrocystin/polyductin; minus strand). Cytogenetic location: 6p12.3.
Variant type: single nucleotide variant.
Coding change: c.9571A>C on transcript NM_138694.4 (MANE Select); coding-DNA position 9571, A replaced by C.
Protein change: p.Asn3191His; replaces asparagine 3191 with histidine.
Molecular consequence: missense variant.
Genome position (GRCh38, 1-based): chr6:51,748,045, T>G on the plus strand (A>C on the coding strand, the complement: PKHD1 is on the minus strand). VCF-style: chr6-51748045-T-G. GRCh37 (hg19) VCF-style: chr6-51612843-T-G.
Other names: c.9571A>C (NM_138694.3); c.9571A>C, p.Asn3191His (NM_170724.3); short protein forms N3191H.
Identifiers: ClinVar variation 596361 (VCV000596361.17), dbSNP rs372102850, ClinGen allele CA3851369.
Genomic context (GRCh38, chr6:51,748,045, plus strand): 5'-AAGAGCTGGTGGCCACAATGACTGAATTCCTAAGCACAATCTGCACTTTTTTGACGGAAT[T>G]TTGTGGAGCAGAAAATACATACACTACTGCCAAAAGACCAATAGTATTGTCTACCAGAGT-3'
Protein context (NP_619639.3, residues 3181-3201): AVVYVFSAPQ[Asn3191His]SVKKVQIVLR

ClinVar aggregate classification (germline): Conflicting classifications of pathogenicity. Review status: criteria provided, conflicting classifications (1 of 4 stars). 5 submissions from 5 submitters: Uncertain significance (4); Likely benign (1). Last evaluated 2026-02-02.

Conditions:
Inborn genetic diseases. Identifiers: MedGen C0950123, MeSH D030342.
Polycystic kidney disease 4 (PKD4). Also called: POLYCYSTIC KIDNEY DISEASE 4 WITH OR WITHOUT POLYCYSTIC LIVER DISEASE; PKD3; POLYCYSTIC KIDNEY AND HEPATIC DISEASE 1; POLYCYSTIC KIDNEY DISEASE, INFANTILE, TYPE I; Autosomal Recessive Polycystic Kidney Disease – PKHD1. Identifiers: MedGen C4540575, MONDO:0033004, OMIM 263200.
Autosomal recessive polycystic kidney disease (ARPKD). Also called: AR polycystic kidney disease. Identifiers: Orphanet 731, Orphanet 8378, MedGen C0085548, MeSH D017044, MONDO:0009889.

Allele frequency attached by ClinVar (database versions not stated): gnomAD 0.00005; gnomAD exomes 0.00006 and 0.00008; TOPMed 0.00006; ExAC 0.00008; ESP Exome Variant Server 0.00008.
gnomAD v4.1: 117 of 1,613,970 alleles (0.0072%); highest among the groups gnomAD compares: Non-Finnish European, 0.0094%; no homozygotes.

Submissions (5):

Labcorp Genetics (formerly Invitae), Labcorp
Classification: Likely benign for Autosomal recessive polycystic kidney disease. Last evaluated: 2026-02-02. Review status: criteria provided, single submitter. Criteria: Invitae Variant Classification Sherloc (09022015). Collection method: clinical testing. Allele origin: germline.

Fulgent Genetics
Classification: Uncertain significance for Polycystic kidney disease 4. Last evaluated: 2024-05-22. Review status: criteria provided, single submitter. Criteria: ACMG Guidelines, 2015. Collection method: clinical testing. Allele origin: germline.

GeneDx
Classification: Uncertain significance. Last evaluated: 2023-12-10. Review status: criteria provided, single submitter. Criteria: GeneDx Variant Classification Process June 2021. Collection method: clinical testing. Allele origin: germline. Affected: yes.
Comment: Not observed at significant frequency in large population cohorts (gnomAD); In silico analysis supports that this missense variant does not alter protein structure/function; Has not been previously published as pathogenic or benign to our knowledge

Ambry Genetics
Classification: Uncertain significance for Inborn genetic diseases. Last evaluated: 2023-02-14. Review status: criteria provided, single submitter. Criteria: Ambry Variant Classification Scheme 2023. Collection method: clinical testing. Allele origin: germline.

Eurofins Ntd Llc (ga)
Classification: Uncertain significance. Last evaluated: 2018-03-20. Review status: criteria provided, single submitter. Criteria: EGL ClinVar v180209 classification definitions. Collection method: clinical testing. Allele origin: germline. Observed: 1 variant allele, 1 heterozygote.